The following is an entry in ClinVar:

NM_001111125.3(IQSEC2):c.1850G>A (p.Arg617His)

Gene: IQSEC2 (IQ motif and Sec7 domain ArfGEF 2; minus strand). Cytogenetic location: Xp11.22.
Variant type: single nucleotide variant.
Coding change: c.1850G>A on transcript NM_001111125.3 (MANE Select); coding-DNA position 1850, G replaced by A.
Protein change: p.Arg617His; replaces arginine 617 with histidine.
Molecular consequence: missense variant.
Genome position (GRCh38, 1-based): chrX:53,250,726, C>T on the plus strand (G>A on the coding strand, the complement: IQSEC2 is on the minus strand). VCF-style: chrX-53250726-C-T. GRCh37 (hg19) VCF-style: chrX-53279908-C-T.
Other names: c.1850G>A, p.Arg617His (NM_001410736.1); c.1235G>A, p.Arg412His (NM_015075.2); short protein forms R412H, R617H.
Identifiers: ClinVar variation 2146281 (VCV002146281.5), dbSNP rs1299438032, ClinGen allele CA413163219.

ClinVar aggregate classification (germline): Uncertain significance. Review status: criteria provided, multiple submitters, no conflicts (2 of 4 stars). 2 submissions from 2 submitters: Uncertain significance (2). Last evaluated 2023-04-15.

Conditions:
Intellectual developmental disorder, X-linked 1. Also called: Atkin Flaitz Patil Smith syndrome; Intellectual disability, X-linked 1; MENTAL RETARDATION, X-LINKED 18; MENTAL RETARDATION, X-LINKED 78. Identifiers: Orphanet 777, MedGen C2931498, MONDO:0010656, OMIM 309530.

Allele frequency attached by ClinVar (database versions not stated): gnomAD 0.00001; gnomAD exomes 0.00001; TOPMed 0.00002.
gnomAD v4.1: 7 of 1,209,788 alleles (0.00058%); highest among the groups gnomAD compares: South Asian, 0.0018%; no homozygotes.

Submissions (2):

Labcorp Genetics (formerly Invitae), Labcorp
Classification: Uncertain significance for Intellectual developmental disorder, X-linked 1. Last evaluated: 2023-04-15. Review status: criteria provided, single submitter. Criteria: Invitae Variant Classification Sherloc (09022015). Collection method: clinical testing. Allele origin: germline.
Comment: This sequence change replaces arginine, which is basic and polar, with histidine, which is basic and polar, at codon 617 of the IQSEC2 protein (p.Arg617His). The frequency data for this variant in the population databases is considered unreliable, as metrics indicate poor data quality at this position in the gnomAD database. This missense change has been observed in individual(s) with intellectual disability (PMID: 32005694). ClinVar contains an entry for this variant (Variation ID: 2146281). Advanced modeling of protein sequence and biophysical properties (such as structural, functional, and spatial information, amino acid conservation, physicochemical variation, residue mobility, and thermodynamic stability) performed at Invitae indicates that this missense variant is not expected to disrupt IQSEC2 protein function. In summary, the available evidence is currently insufficient to determine the role of this variant in disease. Therefore, it has been classified as a Variant of Uncertain Significance.

Blueprint Genetics
Classification: Uncertain significance. Last evaluated: 2022-11-22. Review status: criteria provided, single submitter. Criteria: ACMG Guidelines, 2015. Collection method: clinical testing. Allele origin: germline.

Literature cited by the submitters: PubMed 32005694 (cited by Labcorp Genetics (formerly Invitae), Labcorp).